The following is an entry in ClinVar:

ClinVar aggregate classification (germline): Uncertain significance. Review status: criteria provided, multiple submitters, no conflicts (2 of 4 stars). 2 submissions from 2 submitters: Uncertain significance (2). Last evaluated 2026-01-21.

Conditions:
Inborn genetic diseases. Identifiers: MedGen C0950123, MeSH D030342.
KBG syndrome (KBGS). Also called: ANKRD11-Related KBG Syndrome. Identifiers: Orphanet 2332, MedGen C0220687, MONDO:0007846, OMIM 148050.

Submissions (2):

Labcorp Genetics (formerly Invitae), Labcorp
Classification: Uncertain significance for KBG syndrome. Last evaluated: 2026-01-21. Review status: criteria provided, single submitter. Criteria: Invitae Variant Classification Sherloc (09022015). Collection method: clinical testing. Allele origin: germline.
Comment: This sequence change replaces serine, which is neutral and polar, with proline, which is neutral and non-polar, at codon 2021 of the ANKRD11 protein (p.Ser2021Pro). Information on the frequency of this variant in the gnomAD database is not available, as this variant may be reported differently in the database. This variant has not been reported in the literature in individuals affected with ANKRD11-related conditions. ClinVar contains an entry for this variant (Variation ID: 588865). Experimental studies and prediction algorithms are not available or were not evaluated, and the functional significance of this variant is currently unknown. In summary, the available evidence is currently insufficient to determine the role of this variant in disease. Therefore, it has been classified as a Variant of Uncertain Significance.

Ambry Genetics
Classification: Uncertain significance for Inborn genetic diseases. Last evaluated: 2018-05-22. Review status: criteria provided, single submitter. Criteria: Ambry Variant Classification Scheme 2023. Collection method: clinical testing. Allele origin: germline.
Comment: The c.6060_6061delCTinsGC variant, located in coding exon 7 of the ANKRD11 gene, results from a deletion of CT and insertion of GC at nucleotide positions 6060 to 6061. This results in the substitution of the serine residue for a proline residue at codon 2021, an amino acid with similar properties. This amino acid position is not well conserved in available vertebrate species. Since supporting evidence is limited at this time, the clinical significance of this alteration remains unclear.

NM_013275.6(ANKRD11):c.6060_6061delinsGC (p.Ser2021Pro)

Gene: ANKRD11 (ankyrin repeat domain 11; minus strand). Cytogenetic location: 16q24.3.
Variant type: Indel.
Coding change: c.6060_6061delinsGC on transcript NM_013275.6 (MANE Select); coding-DNA positions 6060 to 6061, CT replaced by GC.
Protein change: p.Ser2021Pro; replaces serine 2021 with proline.
Molecular consequence: missense variant.
Genome position (GRCh38, 1-based): chr16:89,280,481-89,280,482, AG replaced by GC on the plus strand (CT replaced by GC on the coding strand, the reverse complement: ANKRD11 is on the minus strand). VCF-style: chr16-89280481-AG-GC. GRCh37 (hg19) VCF-style: chr16-89346889-AG-GC.
Other names: c.6060_6061delinsGC, p.Ser2021Pro (NM_001256182.2, NM_001256183.2); short protein forms S2021P.
Identifiers: ClinVar variation 588865 (VCV000588865.8), dbSNP rs1567559902, ClinGen allele CA891844323.